The following is an entry in ClinVar:

NM_024857.5(ATAD5):c.2956+9T>C

Gene: ATAD5 (ATPase family AAA domain containing 5; plus strand). Cytogenetic location: 17q11.2.
Variant type: single nucleotide variant.
Coding change: c.2956+9T>C on transcript NM_024857.5 (MANE Select); 9 bases into the intron after coding-DNA position 2956, T replaced by C.
Molecular consequence: intron variant.
Genome position (GRCh38, 1-based): chr17:30,858,332, T>C. VCF-style: chr17-30858332-T-C. GRCh37 (hg19) VCF-style: chr17-29185350-T-C.
Identifiers: ClinVar variation 3040818 (VCV003040818.2), dbSNP rs187696580, ClinGen allele CA8483955.

ClinVar aggregate classification (germline): Likely benign (0 of 4 stars; one submission).

Conditions:
ATAD5-related disorder. Also called: ATAD5-related condition.

Allele frequency attached by ClinVar (database versions not stated): gnomAD 0.00023; TOPMed 0.00025; 1000 Genomes Project 0.00040; gnomAD exomes 0.00051; ExAC 0.00057; 1000 Genomes Project 30x 0.00062.
gnomAD v4.1: 680 of 1,451,656 alleles (0.047%); highest among the groups gnomAD compares: East Asian, 1.7%; 10 homozygotes.

Submission:

PreventionGenetics, part of Exact Sciences
Classification: Likely benign for ATAD5-related condition. Last evaluated: 2019-09-20. Review status: no assertion criteria provided. Collection method: clinical testing. Allele origin: germline.
Comment: This variant is classified as likely benign based on ACMG/AMP sequence variant interpretation guidelines (Richards et al. 2015 PMID: 25741868, with internal and published modifications).